The following is an entry in ClinVar:

NM_018060.4(IARS2):c.700-8T>C

Gene: IARS2 (isoleucyl-tRNA synthetase 2, mitochondrial; plus strand). Cytogenetic location: 1q41.
Variant type: single nucleotide variant.
Coding change: c.700-8T>C on transcript NM_018060.4 (MANE Select); 8 bases into the intron before coding-DNA position 700, T replaced by C.
Molecular consequence: intron variant.
Genome position (GRCh38, 1-based): chr1:220,102,355, T>C. VCF-style: chr1-220102355-T-C. GRCh37 (hg19) VCF-style: chr1-220275697-T-C.
Identifiers: ClinVar variation 1567969 (VCV001567969.9), dbSNP rs187251505, ClinGen allele CA1401191.

ClinVar aggregate classification (germline): Benign/Likely benign. Review status: criteria provided, multiple submitters, no conflicts (2 of 4 stars). 2 submissions from 2 submitters: Benign (1); Likely benign (1). Last evaluated 2026-08-01.

Allele frequency attached by ClinVar (database versions not stated): gnomAD exomes 0.00006 and 0.00034; gnomAD 0.00010 and 0.00011; TOPMed 0.00012; ExAC 0.00024; 1000 Genomes Project 0.00040; 1000 Genomes Project 30x 0.00047.
gnomAD v4.1: 123 of 1,613,364 alleles (0.0076%); highest among the groups gnomAD compares: East Asian, 0.24%; no homozygotes.

Submissions (2):

CeGaT Center for Human Genetics Tuebingen
Classification: Likely benign. Last evaluated: 2026-08-01. Review status: criteria provided, single submitter. Criteria: CeGaT Center For Human Genetics Tuebingen Variant Classification Criteria Version 2. Collection method: clinical testing. Allele origin: germline. Affected: yes. Observed: 1 variant allele.
Comment: IARS2: BP4

Labcorp Genetics (formerly Invitae), Labcorp
Classification: Benign. Last evaluated: 2025-12-06. Review status: criteria provided, single submitter. Criteria: Invitae Variant Classification Sherloc (09022015). Collection method: clinical testing. Allele origin: germline.